The following is an entry in ClinVar:

ClinVar aggregate classification (germline): Uncertain significance. Review status: criteria provided, multiple submitters, no conflicts (2 of 4 stars). 4 submissions from 4 submitters: Uncertain significance (3). 1 of the submissions does not count toward it. Last evaluated 2025-01-23.

Conditions:
Hereditary cancer-predisposing syndrome. Also called: Neoplastic Syndromes, Hereditary; Tumor predisposition; Hereditary Cancer Syndrome; Hereditary neoplastic syndrome. Identifiers: Orphanet 140162, MedGen C0027672, MeSH D009386, MONDO:0015356.
Fanconi anemia (FA). Also called: Fanconi's anemia. Identifiers: Orphanet 84, MedGen C0015625, MeSH D005199, MONDO:0019391.
Fanconi anemia complementation group C (FANCC). Also called: Fanconi anemia, group C; FANCC-Related Fanconi Anemia; FANCONI PANCYTOPENIA, TYPE 3; FACC. Identifiers: Orphanet 84, MedGen C3468041, MONDO:0009213, OMIM 227645.

Allele frequency attached by ClinVar (database versions not stated): TOPMed 0.00002.
gnomAD v4.1: 2 of 1,613,668 alleles (0.00012%); highest among the groups gnomAD compares: African/African-American, 0.0027%; no homozygotes.

Submissions (4):

Labcorp Genetics (formerly Invitae), Labcorp
Classification: Uncertain significance for Fanconi anemia. Last evaluated: 2025-01-23. Review status: criteria provided, single submitter. Criteria: Invitae Variant Classification Sherloc (09022015). Collection method: clinical testing. Allele origin: germline.
Comment: This sequence change replaces serine, which is neutral and polar, with arginine, which is basic and polar, at codon 330 of the FANCC protein (p.Ser330Arg). This variant is present in population databases (no rsID available, gnomAD 0.007%). This variant has not been reported in the literature in individuals affected with FANCC-related conditions. ClinVar contains an entry for this variant (Variation ID: 456174). Invitae Evidence Modeling of protein sequence and biophysical properties (such as structural, functional, and spatial information, amino acid conservation, physicochemical variation, residue mobility, and thermodynamic stability) indicates that this missense variant is not expected to disrupt FANCC protein function with a negative predictive value of 80%. In summary, the available evidence is currently insufficient to determine the role of this variant in disease. Therefore, it has been classified as a Variant of Uncertain Significance.

Fulgent Genetics
Classification: Uncertain significance for Fanconi anemia complementation group C. Last evaluated: 2024-05-29. Review status: criteria provided, single submitter. Criteria: ACMG Guidelines, 2015. Collection method: clinical testing. Allele origin: germline.

Ambry Genetics
Classification: Uncertain significance for Hereditary cancer-predisposing syndrome. Last evaluated: 2023-05-20. Review status: criteria provided, single submitter. Criteria: Ambry Variant Classification Scheme 2023. Collection method: clinical testing. Allele origin: germline.
Comment: The p.S330R variant (also known as c.990C>A), located in coding exon 9 of the FANCC gene, results from a C to A substitution at nucleotide position 990. The serine at codon 330 is replaced by arginine, an amino acid with dissimilar properties. This amino acid position is poorly conserved in available vertebrate species. In addition, this alteration is predicted to be tolerated by in silico analysis. Since supporting evidence is limited at this time, the clinical significance of this alteration remains unclear.

Natera, Inc.
Classification: Uncertain significance for Fanconi anemia. Last evaluated: 2020-03-23. Review status: no assertion criteria provided. Collection method: clinical testing. Allele origin: germline. Not counted in ClinVar's aggregate classification.

NM_000136.3(FANCC):c.990C>A (p.Ser330Arg)

Genes: FANCC (FA complementation group C; minus strand), AOPEP (aminopeptidase O (putative); plus strand). Cytogenetic location: 9q22.32.
Variant type: single nucleotide variant.
Coding change: c.990C>A on transcript NM_000136.3 (MANE Select); coding-DNA position 990, C replaced by A.
Protein change: p.Ser330Arg; replaces serine 330 with arginine.
Molecular consequence: missense variant.
Genome position (GRCh38, 1-based): chr9:95,125,092, G>T on the plus strand (C>A on the coding strand, the complement: FANCC is on the minus strand). VCF-style: chr9-95125092-G-T. GRCh37 (hg19) VCF-style: chr9-97887374-G-T.
Other names: c.990C>A, p.Ser330Arg (NM_001243743.2, NM_001243744.2); short protein forms S330R.
Identifiers: ClinVar variation 456174 (VCV000456174.13), dbSNP rs374915316, ClinGen allele CA374108746.